The following is an entry in ClinVar:

NM_032242.4(PLXNA1):c.831C>T (p.Phe277=)

Gene: PLXNA1 (plexin A1; plus strand). Cytogenetic location: 3q21.3.
Variant type: single nucleotide variant.
Coding change: c.831C>T on transcript NM_032242.4 (MANE Select); coding-DNA position 831, C replaced by T.
Protein change: p.Phe277=; no amino-acid change (phenylalanine 277 retained).
Molecular consequence: synonymous variant.
Genome position (GRCh38, 1-based): chr3:126,989,424, C>T. VCF-style: chr3-126989424-C-T. GRCh37 (hg19) VCF-style: chr3-126708267-C-T.
Identifiers: ClinVar variation 3032042 (VCV003032042.2), dbSNP rs141445214, ClinGen allele CA2593056.
Genomic context (GRCh38, chr3:126,989,424, plus strand): 5'-CTACCTCACGCTGCAGCTAGACACACAGCTGACCTCGCCTGATGCCGCCGGCGAGCACTT[C>T]TTCACGTCCAAGATCGTGCGGCTCTGTGTGGACGACCCCAAATTCTACTCGTACGTTGAG-3'
Protein context (NP_115618.3, residues 267-287): LTSPDAAGEH[Phe277=]FTSKIVRLCV

ClinVar aggregate classification (germline): Likely benign (0 of 4 stars; one submission).

Conditions:
PLXNA1-related disorder. Also called: PLXNA1-related condition.

Allele frequency attached by ClinVar (database versions not stated): ExAC 0.00001; gnomAD exomes 0.00001; TOPMed 0.00006; gnomAD 0.00007; ESP Exome Variant Server 0.00015.

Submission:

PreventionGenetics, part of Exact Sciences
Classification: Likely benign for PLXNA1-related condition. Last evaluated: 2023-06-13. Review status: no assertion criteria provided. Collection method: clinical testing. Allele origin: germline.
Comment: This variant is classified as likely benign based on ACMG/AMP sequence variant interpretation guidelines (Richards et al. 2015 PMID: 25741868, with internal and published modifications).